The following is an entry in ClinVar:

NM_001005242.3(PKP2):c.149C>G (p.Thr50Arg)

Gene: PKP2 (plakophilin 2; minus strand). Cytogenetic location: 12p11.21.
Variant type: single nucleotide variant.
Coding change: c.149C>G on transcript NM_001005242.3 (MANE Select); coding-DNA position 149, C replaced by G.
Protein change: p.Thr50Arg; replaces threonine 50 with arginine.
Molecular consequence: missense variant.
Genome position (GRCh38, 1-based): chr12:32,896,583, G>C on the plus strand (C>G on the coding strand, the complement: PKP2 is on the minus strand). VCF-style: chr12-32896583-G-C. GRCh37 (hg19) VCF-style: chr12-33049517-G-C.
Other names: c.149C>G, p.Thr50Arg (NM_004572.4); short protein forms T50R.
Identifiers: ClinVar variation 3075133 (VCV003075133.1), dbSNP rs1402887591, ClinGen allele CA384371082.

ClinVar aggregate classification (germline): Uncertain significance (1 of 4 stars; one submission).

Conditions:
Arrhythmogenic right ventricular cardiomyopathy (ARVD). Also called: Arrhythmogenic right ventricular dysplasia; Cardiomyopathy, ARVC; Arrhythmogenic cardiomyopathy; Arrhythmogenic Right Ventricular Cardiomyopathy (ARVC). Identifiers: Orphanet 247, MedGen C0349788, MeSH D019571, MONDO:0016587. Disease mechanism: loss of function. Inheritance: Various modes of inheritance.

Submission:

All of Us Research Program, National Institutes of Health
Classification: Uncertain significance for Arrhythmogenic right ventricular cardiomyopathy. Last evaluated: 2023-12-18. Review status: criteria provided, single submitter. Criteria: ACMG Guidelines, 2015. Collection method: clinical testing. Allele origin: germline. Inheritance: Autosomal dominant inheritance. Observed: 1 variant allele, 1 heterozygote.
Comment: This missense variant replaces threonine with arginine at codon 50 of the PKP2 protein. Computational prediction suggests that this variant may not impact protein structure and function (internally defined REVEL score threshold <= 0.5, PMID: 27666373). To our knowledge, functional studies have not been reported for this variant. This variant has not been reported in individuals affected with PKP2-related disorders in the literature. This variant has not been identified in the general population by the Genome Aggregation Database (gnomAD). The available evidence is insufficient to determine the role of this variant in disease conclusively. Therefore, this variant is classified as a Variant of Uncertain Significance.

This study involves interpretation of variants in research participants for the purpose of population health screening. Participant phenotype was not available at the time of variant classification. Additional details can be found in publication PMID: 35346344, PMCID: PMC8962531